The following is an entry in ClinVar:

ClinVar aggregate classification (germline): Benign (1 of 4 stars; one submission).

Conditions:
Posterior polymorphous corneal dystrophy. Also called: Polymorphous corneal dystrophy; CORNEAL DYSTROPHY, HEREDITARY POLYMORPHOUS POSTERIOR. Identifiers: Orphanet 98973, MedGen C0339284, MONDO:0020364, HP:0007915.

Allele frequency attached by ClinVar (database versions not stated): TOPMed 0.00002; gnomAD exomes 0.00003 and 0.00006; gnomAD 0.00004; ExAC 0.00028.

Submission:

Illumina Laboratory Services, Illumina
Classification: Benign for Polymorphous corneal dystrophy. Last evaluated: 2018-01-13. Review status: criteria provided, single submitter. Criteria: ICSL Variant Classification Criteria 13 December 2019. Collection method: clinical testing. Allele origin: germline.
Comment: This variant was observed in the ICSL laboratory as part of a predisposition screen in an ostensibly healthy population. It had not been previously curated by ICSL or reported in the Human Gene Mutation Database (HGMD: prior to June 1st, 2018), and was therefore a candidate for classification through an automated scoring system. Utilizing variant allele frequency, disease prevalence and penetrance estimates, and inheritance mode, an automated score was calculated to assess if this variant is too frequent to cause the disease. Based on the score and internal cut-off values, a variant classified as benign is not then subjected to further curation. The score for this variant resulted in a classification of benign for this disease.

NM_014588.6(VSX1):c.628-13T>C

Gene: VSX1 (visual system homeobox 1; minus strand). Cytogenetic location: 20p11.21.
Variant type: single nucleotide variant.
Coding change: c.628-13T>C on transcript NM_014588.6 (MANE Select); 13 bases into the intron before coding-DNA position 628, T replaced by C.
Molecular consequence: intron variant. On other transcripts: 5 prime UTR variant (1), non-coding transcript variant (3).
Genome position (GRCh38, 1-based): chr20:25,077,878, A>G on the plus strand (T>C on the coding strand, the complement: VSX1 is on the minus strand). VCF-style: chr20-25077878-A-G. GRCh37 (hg19) VCF-style: chr20-25058514-A-G.
Other names: c.-79T>C (NM_001378633.1); c.627+951T>C (NM_001256271.2); c.628-13T>C (NM_001256272.2).
Identifiers: ClinVar variation 896934 (VCV000896934.4), dbSNP rs775616468, ClinGen allele CA9793536.
Genomic context (GRCh38, chr20:25,077,878, plus strand): 5'-GCGCTTCTCCCGCTTGCGCCATTTGGCCCTGCGGTTTTGAAACCAGACCTGGTTGGAGGC[A>G]GGAGAAGCAGAAGGCACACAGAAGAGACAGTGAAGAGGGGCGCCTGGAGGAGCGGAGGCG-3'